The following is an entry in ClinVar:

ClinVar aggregate classification (germline): Uncertain significance (1 of 4 stars; one submission).

Conditions:
CHEK1-related disorder. Also called: CHEK1-related condition.

Submission:

PreventionGenetics, part of Exact Sciences
Classification: Uncertain significance for CHEK1-related condition. Last evaluated: 2022-09-15. Review status: criteria provided, single submitter. Criteria: ACMG Guidelines, 2015. Collection method: clinical testing. Allele origin: germline.
Comment: The CHEK1 c.190T>C variant is predicted to result in the amino acid substitution p.Ser64Pro. This variant can also be referred to as a precoding variant c.-83T>C using an alternative transcript (NM_001114121). To our knowledge, this variant has not been reported in the literature or in a large population database, indicating this variant is rare. At this time, the clinical significance of this variant is uncertain due to the absence of conclusive functional and genetic evidence.

NM_001114122.3(CHEK1):c.-83T>C

Gene: CHEK1 (checkpoint kinase 1; plus strand). Cytogenetic location: 11q24.2.
Variant type: single nucleotide variant.
Coding change: c.-83T>C on transcript NM_001114122.3 (MANE Select); 83 bases upstream of the start codon, T replaced by C.
Molecular consequence: 5 prime UTR variant. On other transcripts: non-coding transcript variant (1).
Genome position (GRCh38, 1-based): chr11:125,625,950, T>C. VCF-style: chr11-125625950-T-C. GRCh37 (hg19) VCF-style: chr11-125495845-T-C.
Other names: c.-83T>C (NM_001114121.2, NM_001244846.1); c.-162T>C (NM_001330427.2).
Identifiers: ClinVar variation 2628437 (VCV002628437.1), dbSNP rs2498240790, ClinGen allele CA383189297.